The following is an entry in ClinVar:

NM_000284.4(PDHA1):c.1026_1039del (p.Arg343fs)

Gene: PDHA1 (pyruvate dehydrogenase E1 subunit alpha 1; plus strand). Cytogenetic location: Xp22.12.
Variant type: Deletion.
Coding change: c.1026_1039del on transcript NM_000284.4 (MANE Select); coding-DNA positions 1026 to 1039, 14 bases deleted (GAGGAAGGAGATTG).
Protein change: p.Arg343fs; shifts the reading frame from arginine 343.
Molecular consequence: frameshift variant.
Genome position (GRCh38, 1-based): chrX:19,359,506-19,359,519, GAGGAAGGAGATTG deleted. VCF-style (leftmost placement, unchanged base first): chrX-19359505-TGAGGAAGGAGATTG-T. GRCh37 (hg19) VCF-style: chrX-19377623-TGAGGAAGGAGATTG-T.
Other names: c.1140_1153del, p.Arg381fs (NM_001173454.2); c.1047_1060del, p.Arg350fs (NM_001173455.2); c.933_946del, p.Arg312fs (NM_001173456.2); short protein forms R312fs, R343fs, R350fs, R381fs.
Identifiers: ClinVar variation 560930 (VCV000560930.2), dbSNP rs1569194036, ClinGen allele CA658823892.

ClinVar aggregate classification (germline): Pathogenic (1 of 4 stars; one submission).

Conditions:
Pyruvate dehydrogenase E1-alpha deficiency (PDHAD). Also called: ATAXIA, INTERMITTENT, WITH PYRUVATE DEHYDROGENASE DEFICIENCY; ATAXIA WITH LACTIC ACIDOSIS I; ATAXIA, INTERMITTENT, WITH ABNORMAL PYRUVATE METABOLISM; Ataxia, intermittent, with pyruvate dehydrogenase, or decarboxylase, deficiency. Identifiers: Orphanet 79243, MedGen C1839413, MONDO:0010717, OMIM 312170.

Submission:

Baylor Genetics
Classification: Pathogenic for Pyruvate dehydrogenase E1-alpha deficiency. Last evaluated: 2017-09-01. Review status: criteria provided, single submitter. Criteria: ACMG Guidelines, 2015. Collection method: clinical testing. Allele origin: de novo. Inheritance: X-linked inheritance. Affected: yes.

Literature cited by the submitters: PubMed 25326635.